The following is an entry in ClinVar:

ClinVar aggregate classification (germline): Uncertain significance (1 of 4 stars; one submission).

Conditions:
Familial meningioma. Also called: Meningioma, familial, susceptibility to. Identifiers: Orphanet 263662, MedGen C3551915, MONDO:0011789, OMIM 607174.

gnomAD v4.1: 1 of 1,613,700 alleles (0.000062%); highest among the groups gnomAD compares: Admixed American, 0.0017%; no homozygotes.

Submission:

Dr. Guy Rouleau's laboratory, McGill University
Classification: Uncertain significance for Familial meningioma. Last evaluated: 2025-03-22. Review status: criteria provided, single submitter. Criteria: ACMG Guidelines, 2015. Collection method: research. Allele origin: germline. Affected: yes.
Comment: This missense variant located at the position 1426, is change from an Arginine (R), basic amino acid to Serine (S) neutral and polar amino acid in FAT3 gene. This variant has been reported in population database (gnomAD v2.1.1 allele frequency =0.000004018, exome coverage 50X). Based on the available evidence, the clinical significance of this variant is unknown.

NM_001367949.2(FAT3):c.4278G>T (p.Arg1426Ser)

Gene: FAT3 (FAT atypical cadherin 3; plus strand). Cytogenetic location: 11q14.3.
Variant type: single nucleotide variant.
Coding change: c.4278G>T on transcript NM_001367949.2 (MANE Select); coding-DNA position 4278, G replaced by T.
Protein change: p.Arg1426Ser; replaces arginine 1426 with serine.
Molecular consequence: missense variant.
Genome position (GRCh38, 1-based): chr11:92,774,123, G>T. VCF-style: chr11-92774123-G-T. GRCh37 (hg19) VCF-style: chr11-92507289-G-T.
Other names: c.4278G>T, p.Arg1426Ser (NM_001008781.3); short protein forms R1426S.
Identifiers: ClinVar variation 3774554 (VCV003774554.1).